The following is an entry in ClinVar:

ClinVar aggregate classification (germline): Pathogenic (1 of 4 stars; one submission).

Conditions:
Kabuki syndrome. Also called: Kabuki make-up syndrome; NIIKAWA-KUROKI SYNDROME. Identifiers: Orphanet 2322, MedGen C0796004, MONDO:0016512.

Submission:

Labcorp Genetics (formerly Invitae), Labcorp
Classification: Pathogenic for Kabuki syndrome. Last evaluated: 2017-07-02. Review status: criteria provided, single submitter. Criteria: Invitae Variant Classification Sherloc (09022015). Collection method: clinical testing. Allele origin: germline.
Comment: This sequence change creates a premature translational stop signal (p.Lys3235Aspfs*15) in the KMT2D gene. It is expected to result in an absent or disrupted protein product. This variant is not present in population databases (ExAC no frequency). This variant has not been reported in the literature in individuals with KMT2D-related disease. Loss-of-function variants in KMT2D are known to be pathogenic (PMID: 22126750). For these reasons, this variant has been classified as Pathogenic.

Literature cited by the submitters: PubMed 22126750.

NM_003482.4(KMT2D):c.9703_9704del (p.Lys3235fs)

Gene: KMT2D (lysine methyltransferase 2D; minus strand). Cytogenetic location: 12q13.12.
Variant type: Deletion.
Coding change: c.9703_9704del on transcript NM_003482.4 (MANE Select); coding-DNA positions 9703 to 9704, 2 bases deleted (AA; older notation c.9703_9704delAA).
Protein change: p.Lys3235fs; shifts the reading frame from lysine 3235.
Molecular consequence: frameshift variant.
Genome position (GRCh38, 1-based): chr12:49,037,652-49,037,653, TT deleted on the plus strand (AA on the coding strand, the reverse complement: KMT2D is on the minus strand). VCF-style (leftmost placement, unchanged base first): chr12-49037651-CTT-C. GRCh37 (hg19) VCF-style: chr12-49431434-CTT-C.
Other names: c.9703_9704delAA (NM_003482.3); short protein forms K3235fs.
Identifiers: ClinVar variation 463025 (VCV000463025.2), dbSNP rs1555190324, ClinGen allele CA658656290.